The following is an entry in ClinVar:

ClinVar aggregate classification (germline): Uncertain significance (1 of 4 stars; one submission).

Conditions:
Oligodontia-cancer predisposition syndrome. Also called: TOOTH AGENESIS-COLORECTAL CANCER SYNDROME. Identifiers: Orphanet 300576, MedGen C1837750, MONDO:0012075, OMIM 608615. Disease mechanism: loss of function.

Submission:

Labcorp Genetics (formerly Invitae), Labcorp
Classification: Uncertain significance for Oligodontia-cancer predisposition syndrome. Last evaluated: 2024-06-10. Review status: criteria provided, single submitter. Criteria: Invitae Variant Classification Sherloc (09022015). Collection method: clinical testing. Allele origin: germline.
Comment: This sequence change replaces arginine, which is basic and polar, with serine, which is neutral and polar, at codon 394 of the AXIN2 protein (p.Arg394Ser). This variant is not present in population databases (gnomAD no frequency). This variant has not been reported in the literature in individuals affected with AXIN2-related conditions. ClinVar contains an entry for this variant (Variation ID: 998735). Advanced modeling of protein sequence and biophysical properties (such as structural, functional, and spatial information, amino acid conservation, physicochemical variation, residue mobility, and thermodynamic stability) has been performed at Invitae for this missense variant, however the output from this modeling did not meet the statistical confidence thresholds required to predict the impact of this variant on AXIN2 protein function. In summary, the available evidence is currently insufficient to determine the role of this variant in disease. Therefore, it has been classified as a Variant of Uncertain Significance.

NM_004655.4(AXIN2):c.1180C>A (p.Arg394Ser)

Gene: AXIN2 (axin 2; minus strand). Cytogenetic location: 17q24.1.
Variant type: single nucleotide variant.
Coding change: c.1180C>A on transcript NM_004655.4 (MANE Select); coding-DNA position 1180, C replaced by A.
Protein change: p.Arg394Ser; replaces arginine 394 with serine.
Molecular consequence: missense variant.
Genome position (GRCh38, 1-based): chr17:65,538,223, G>T on the plus strand (C>A on the coding strand, the complement: AXIN2 is on the minus strand). VCF-style: chr17-65538223-G-T. GRCh37 (hg19) VCF-style: chr17-63534341-G-T.
Other names: c.1180C>A, p.Arg394Ser (NM_001363813.1); short protein forms R394S.
Identifiers: ClinVar variation 998735 (VCV000998735.8), dbSNP rs753049092, ClinGen allele CA400678183.